The following is an entry in ClinVar:

ClinVar aggregate classification (germline): Pathogenic. Review status: criteria provided, single submitter (1 of 4 stars). 2 submissions from 2 submitters: Pathogenic (1). 1 of the submissions does not count toward it. Last evaluated 2023-08-30.

Conditions:
Cholestanol storage disease (CTX). Also called: CEREBRAL CHOLESTERINOSIS; Cerebrotendinous Xanthomatosis; CTX: Cerebrotendinous xanthomatosis. Identifiers: Orphanet 909, MedGen C0238052, MONDO:0008948, OMIM 213700.

Allele frequency attached by ClinVar (database versions not stated): gnomAD exomes below 0.00001.
gnomAD v4.1: 3 of 1,614,142 alleles (0.00019%); highest among the groups gnomAD compares: South Asian, 0.0022%; no homozygotes.

Submissions (2):

Labcorp Genetics (formerly Invitae), Labcorp
Classification: Pathogenic for Cholestanol storage disease. Last evaluated: 2023-08-30. Review status: criteria provided, single submitter. Criteria: Invitae Variant Classification Sherloc (09022015). Collection method: clinical testing. Allele origin: germline.
Comment: For these reasons, this variant has been classified as Pathogenic. Studies have shown that this variant is associated with altered splicing, resulting in an in-frame deletion in exon 8 or inclusion of intron 7 (PMID: 9392430). ClinVar contains an entry for this variant (Variation ID: 65844). This variant is also known as In 7 G-1>A. Disruption of this splice site has been observed in individual(s) with cerebrotendinous xanthomatosis (PMID: 9392430). In at least one individual the data is consistent with being in trans (on the opposite chromosome) from a pathogenic variant. This variant is present in population databases (rs587778785, gnomAD 0.003%). This sequence change affects an acceptor splice site in intron 7 of the CYP27A1 gene. It is expected to disrupt RNA splicing. Variants that disrupt the donor or acceptor splice site typically lead to a loss of protein function (PMID: 16199547), and loss-of-function variants in CYP27A1 are known to be pathogenic (PMID: 9392430, 10775536, 26937392).

GeneReviews
Classification: Pathogenic for Cerebrotendinous Xanthomatosis. Last evaluated: 2013-08-01. Review status: no assertion criteria provided. Collection method: curation. Allele origin: unknown. Not counted in ClinVar's aggregate classification.
ClinVar note: Converted during submission from pathologic to Pathogenic.

Literature cited by the submitters: PubMed 9392430 (cited by Labcorp Genetics (formerly Invitae), Labcorp); PubMed 16199547 (cited by Labcorp Genetics (formerly Invitae), Labcorp); PubMed 10775536 (cited by Labcorp Genetics (formerly Invitae), Labcorp); PubMed 26937392 (cited by Labcorp Genetics (formerly Invitae), Labcorp).

NM_000784.4(CYP27A1):c.1264-1G>A

Gene: CYP27A1 (cytochrome P450 family 27 subfamily A member 1; plus strand). Cytogenetic location: 2q35.
Variant type: single nucleotide variant.
Coding change: c.1264-1G>A on transcript NM_000784.4 (MANE Select); the canonical splice acceptor site of the intron before coding-DNA position 1264, G replaced by A.
Molecular consequence: splice acceptor variant.
Genome position (GRCh38, 1-based): chr2:218,814,544, G>A. VCF-style: chr2-218814544-G-A. GRCh37 (hg19) VCF-style: chr2-219679267-G-A.
Other names: c.1264-1G>A.
Identifiers: ClinVar variation 65844 (VCV000065844.11), dbSNP rs587778785, ClinGen allele CA345176.
Genomic context (GRCh38, chr2:218,814,544, plus strand): 5'-GCCCAGGAGTGCCCTATGCCCCCGAAGAGAGGCATTCATGCTGCCCAATCTTCCTTTATA[G>A]ACCCAGTTTGTGTTCTGCCACTATGTGGTGTCCCGGGACCCCACTGCCTTCTCTGAGCCT-3'